The following is an entry in ClinVar:

ClinVar aggregate classification (germline): Benign (1 of 4 stars; one submission).

Conditions:
Familial adenomatous polyposis 1 (FAP1). Also called: POLYPOSIS, ADENOMATOUS INTESTINAL; FAMILIAL ADENOMATOUS POLYPOSIS 1, ATTENUATED. Identifiers: MedGen C2713442, MONDO:0021056, OMIM 175100. Disease mechanism: loss of function.

Allele frequency attached by ClinVar (database versions not stated): gnomAD exomes below 0.00001.
gnomAD v4.1: 1 of 1,614,084 alleles (0.000062%); highest among the groups gnomAD compares: South Asian, 0.0011%; no homozygotes.

Submission:

Myriad Genetics, Inc.
Classification: Benign for Familial adenomatous polyposis 1. Last evaluated: 2024-04-12. Review status: criteria provided, single submitter. Criteria: Myriad Autosomal Dominant, Autosomal Recessive and X-Linked Classification Criteria (2023). Collection method: clinical testing. Allele origin: unknown.
Comment: This variant is considered benign. This variant is a silent/synonymous amino acid change and it is not expected to impact splicing.

NM_000038.6(APC):c.8223A>T (p.Gly2741=)

Gene: APC (APC regulator of Wnt signaling pathway; plus strand). Cytogenetic location: 5q22.2.
Variant type: single nucleotide variant.
Coding change: c.8223A>T on transcript NM_000038.6 (MANE Select); coding-DNA position 8223, A replaced by T.
Protein change: p.Gly2741=; no amino-acid change (glycine 2741 retained).
Molecular consequence: synonymous variant. On other transcripts: non-coding transcript variant (2).
Genome position (GRCh38, 1-based): chr5:112,843,817, A>T. VCF-style: chr5-112843817-A-T. GRCh37 (hg19) VCF-style: chr5-112179514-A-T.
Other names: c.8223A>T, p.Gly2741= (NM_001127510.3, NM_001354895.2, NM_001407450.1); c.8169A>T, p.Gly2723= (NM_001127511.3); c.8277A>T, p.Gly2759= (NM_001354896.2, NM_001407447.1, NM_001407448.1 and 1 more transcripts); c.8253A>T, p.Gly2751= (NM_001354897.2); c.8148A>T, p.Gly2716= (NM_001354898.2); c.8139A>T, p.Gly2713= (NM_001354899.2); c.8100A>T, p.Gly2700= (NM_001354900.2); c.8046A>T, p.Gly2682= (NM_001354901.2, NM_001407453.1); and 11 more.
Identifiers: ClinVar variation 3253770 (VCV003253770.1), dbSNP rs1580691326.
Genomic context (GRCh38, chr5:112,843,817, plus strand): 5'-CCTGAACTCCTTTATTCAGGTGGATGCCCCTGACCAAAAAGGAACTGAGATAAAACCAGG[A>T]CAAAATAATCCTGTCCCTGTATCAGAGACTAATGAAAGTTCTATAGTGGAACGTACCCCA-3'
Protein context (NP_000029.2, residues 2731-2751): PDQKGTEIKP[Gly2741=]QNNPVPVSET